The following is an entry in ClinVar:

NC_000005.9:g.(?_37107704)_(37115171_?)del

Gene: CPLANE1 (ciliogenesis and planar polarity effector complex subunit 1; minus strand). Cytogenetic location: 5p13.2.
Variant type: Deletion.
Identifiers: ClinVar variation 1450851 (VCV001450851.7).

ClinVar aggregate classification (germline): Uncertain significance (1 of 4 stars; one submission).

Submission:

Labcorp Genetics (formerly Invitae), Labcorp
Classification: Uncertain significance. Last evaluated: 2022-10-04. Review status: criteria provided, single submitter. Criteria: Invitae Variant Classification Sherloc (09022015). Collection method: clinical testing. Allele origin: germline.
Comment: Experimental studies and prediction algorithms are not available or were not evaluated, and the functional significance of this variant is currently unknown. This variant has not been reported in the literature in individuals affected with CPLANE1-related conditions. This variant is a gross deletion of the genomic region encompassing exon(s) 50-52 of the CPLANE1 gene, which includes the termination codon. This deletion extends beyond the assayed region for this gene and therefore may encompass additional genes. While this deletion is not anticipated to lead to nonsense mediated decay, it is expected to alter mRNA translation or result in a truncated protein product. In summary, the available evidence is currently insufficient to determine the role of this variant in disease. Therefore, it has been classified as a Variant of Uncertain Significance.